The following is an entry in ClinVar:

NM_005732.4(RAD50):c.3371A>G (p.Tyr1124Cys)

Gene: RAD50 (RAD50 double strand break repair protein; plus strand). Cytogenetic location: 5q31.1.
Variant type: single nucleotide variant.
Coding change: c.3371A>G on transcript NM_005732.4 (MANE Select); coding-DNA position 3371, A replaced by G.
Protein change: p.Tyr1124Cys; replaces tyrosine 1124 with cysteine.
Molecular consequence: missense variant.
Genome position (GRCh38, 1-based): chr5:132,618,276, A>G. VCF-style: chr5-132618276-A-G. GRCh37 (hg19) VCF-style: chr5-131953968-A-G.
Other names: short protein forms Y1124C.
Identifiers: ClinVar variation 2708739 (VCV002708739.3), dbSNP rs2479388909, ClinGen allele CA360965011.

ClinVar aggregate classification (germline): Uncertain significance (1 of 4 stars; one submission).

Conditions:
Hereditary cancer-predisposing syndrome. Also called: Neoplastic Syndromes, Hereditary; Tumor predisposition; Hereditary Cancer Syndrome; Hereditary neoplastic syndrome. Identifiers: Orphanet 140162, MedGen C0027672, MeSH D009386, MONDO:0015356.

Submission:

Labcorp Genetics (formerly Invitae), Labcorp
Classification: Uncertain significance for Hereditary cancer-predisposing syndrome. Last evaluated: 2023-07-07. Review status: criteria provided, single submitter. Criteria: Invitae Variant Classification Sherloc (09022015). Collection method: clinical testing. Allele origin: germline.
Comment: This sequence change replaces tyrosine, which is neutral and polar, with cysteine, which is neutral and slightly polar, at codon 1124 of the RAD50 protein (p.Tyr1124Cys). This variant is not present in population databases (gnomAD no frequency). This variant has not been reported in the literature in individuals affected with RAD50-related conditions. Advanced modeling of protein sequence and biophysical properties (such as structural, functional, and spatial information, amino acid conservation, physicochemical variation, residue mobility, and thermodynamic stability) performed at Invitae indicates that this missense variant is expected to disrupt RAD50 protein function. In summary, the available evidence is currently insufficient to determine the role of this variant in disease. Therefore, it has been classified as a Variant of Uncertain Significance.